The following is an entry in ClinVar:

NM_018972.4(GDAP1):c.820C>G (p.Pro274Ala)

Gene: GDAP1 (ganglioside induced differentiation associated protein 1; plus strand). Cytogenetic location: 8q21.11.
Variant type: single nucleotide variant.
Coding change: c.820C>G on transcript NM_018972.4 (MANE Select); coding-DNA position 820, C replaced by G.
Protein change: p.Pro274Ala; replaces proline 274 with alanine.
Molecular consequence: missense variant. On other transcripts: intron variant (1).
Genome position (GRCh38, 1-based): chr8:74,364,110, C>G. VCF-style: chr8-74364110-C-G. GRCh37 (hg19) VCF-style: chr8-75276345-C-G.
Other names: c.616C>G, p.Pro206Ala (NM_001040875.4); c.493C>G, p.Pro165Ala (NM_001362929.2, NM_001362932.2); c.646C>G, p.Pro216Ala (NM_001362930.2); c.694+1057C>G (NM_001362931.2); short protein forms P274A, P206A, P165A, P216A.
Identifiers: ClinVar variation 569827 (VCV000569827.10), dbSNP rs1563445213, ClinGen allele CA371550322.

ClinVar aggregate classification (germline): Uncertain significance (1 of 4 stars; one submission).

Conditions:
Charcot-Marie-Tooth disease type 4A. Also called: Charcot-Marie-Tooth disease, demyelinating, autosomal recessive, type 4a. Identifiers: Orphanet 99948, MedGen C1859198, MONDO:0008961, OMIM 214400.

Submission:

Labcorp Genetics (formerly Invitae), Labcorp
Classification: Uncertain significance for Charcot-Marie-Tooth disease type 4A. Last evaluated: 2019-02-14. Review status: criteria provided, single submitter. Criteria: Invitae Variant Classification Sherloc (09022015). Collection method: clinical testing. Allele origin: germline.
Comment: This variant has not been reported in the literature in individuals with GDAP1-related disease. In summary, the available evidence is currently insufficient to determine the role of this variant in disease. Therefore, it has been classified as a Variant of Uncertain Significance. Algorithms developed to predict the effect of missense changes on protein structure and function (SIFT, PolyPhen-2, Align-GVGD) all suggest that this variant is likely to be tolerated, but these predictions have not been confirmed by published functional studies and their clinical significance is uncertain. This variant is not present in population databases (ExAC no frequency). This sequence change replaces proline with alanine at codon 274 of the GDAP1 protein (p.Pro274Ala). The proline residue is highly conserved and there is a small physicochemical difference between proline and alanine.